The following is an entry in ClinVar:

ClinVar aggregate classification (germline): Likely benign (1 of 4 stars; one submission).

Conditions:
LSR-related condition.

gnomAD v4.1: 47 of 1,609,632 alleles (0.0029%); highest among the groups gnomAD compares: Admixed American, 0.012%; no homozygotes.

Submission:

PreventionGenetics, part of Exact Sciences
Classification: Likely benign for LSR-related condition. Last evaluated: 2026-03-17. Review status: criteria provided, single submitter. Criteria: ACMG Guidelines, 2015. Collection method: clinical testing. Allele origin: germline.
Comment: This variant is classified as likely benign based on ACMG/AMP sequence variant interpretation guidelines (Richards et al. 2015 PMID: 25741868, with internal and published modifications).

NM_205834.4(LSR):c.1689G>A (p.Glu563=)

Gene: LSR (lipolysis stimulated lipoprotein receptor; plus strand). Cytogenetic location: 19q13.12.
Variant type: single nucleotide variant.
Coding change: c.1689G>A on transcript NM_205834.4 (MANE Select); coding-DNA position 1689, G replaced by A.
Protein change: p.Glu563=; no amino-acid change (glutamic acid 563 retained).
Molecular consequence: synonymous variant.
Genome position (GRCh38, 1-based): chr19:35,267,653, G>A. VCF-style: chr19-35267653-G-A. GRCh37 (hg19) VCF-style: chr19-35758556-G-A.
Other names: c.1629G>A, p.Glu543= (NM_001260489.2); c.1365G>A, p.Glu455= (NM_001260490.2); c.1482G>A, p.Glu494= (NM_001385215.1); c.1632G>A, p.Glu544= (NM_015925.7); c.1485G>A, p.Glu495= (NM_205835.4).
Identifiers: ClinVar variation 4979947 (VCV004979947.1).